The following is an entry in ClinVar:

NM_006258.4(PRKG1):c.1031A>G (p.Asp344Gly)

Gene: PRKG1 (protein kinase cGMP-dependent 1; plus strand). Cytogenetic location: 10q21.1.
Variant type: single nucleotide variant.
Coding change: c.1031A>G on transcript NM_006258.4 (MANE Select); coding-DNA position 1031, A replaced by G.
Protein change: p.Asp344Gly; replaces aspartic acid 344 with glycine.
Molecular consequence: missense variant. On other transcripts: 5 prime UTR variant (1).
Genome position (GRCh38, 1-based): chr10:52,161,918, A>G. VCF-style: chr10-52161918-A-G. GRCh37 (hg19) VCF-style: chr10-53921678-A-G.
Other names: c.1031A>G (NM_006258.3); c.986A>G, p.Asp329Gly (NM_001098512.3); c.-179A>G (NM_001374781.1); short protein forms D329G, D344G.
Identifiers: ClinVar variation 1059649 (VCV001059649.10), dbSNP rs902336329, ClinGen allele CA207388056.

ClinVar aggregate classification (germline): Uncertain significance. Review status: criteria provided, multiple submitters, no conflicts (2 of 4 stars). 2 submissions from 2 submitters: Uncertain significance (2). Last evaluated 2026-01-12.

Conditions:
Aortic aneurysm, familial thoracic 8 (AAT8). Identifiers: MedGen C3809513, MONDO:0014187, OMIM 615436.
Familial thoracic aortic aneurysm and aortic dissection (TAAD). Also called: Thoracic aortic aneurysms and dissections. Identifiers: Orphanet 91387, MedGen C4707243, MONDO:0019625.

Allele frequency attached by ClinVar (database versions not stated): gnomAD 0.00001; gnomAD exomes 0.00001; TOPMed 0.00002.
gnomAD v4.1: 12 of 1,612,616 alleles (0.00074%); highest among the groups gnomAD compares: Admixed American, 0.0033%; no homozygotes.

Submissions (2):

Ambry Genetics
Classification: Uncertain significance for Familial thoracic aortic aneurysm and aortic dissection. Last evaluated: 2026-01-12. Review status: criteria provided, single submitter. Criteria: Ambry Variant Classification Scheme 2023. Collection method: clinical testing. Allele origin: germline.
Comment: The p.D344G variant (also known as c.1031A>G), located in coding exon 9 of the PRKG1 gene, results from an A to G substitution at nucleotide position 1031. The aspartic acid at codon 344 is replaced by glycine, an amino acid with similar properties. This amino acid position is conserved. In addition, this alteration is predicted to be deleterious by in silico analysis. Based on the available evidence, the clinical significance of this variant remains unclear.

Labcorp Genetics (formerly Invitae), Labcorp
Classification: Uncertain significance for Aortic aneurysm, familial thoracic 8. Last evaluated: 2020-10-19. Review status: criteria provided, single submitter. Criteria: Invitae Variant Classification Sherloc (09022015). Collection method: clinical testing. Allele origin: germline.
Comment: This variant has not been reported in the literature in individuals with PRKG1-related conditions. This sequence change replaces aspartic acid with glycine at codon 344 of the PRKG1 protein (p.Asp344Gly). The aspartic acid residue is moderately conserved and there is a moderate physicochemical difference between aspartic acid and glycine. This variant is not present in population databases (ExAC no frequency). Algorithms developed to predict the effect of missense changes on protein structure and function are either unavailable or do not agree on the potential impact of this missense change (SIFT: "Deleterious"; PolyPhen-2: "Benign"; Align-GVGD: "Class C0"). Algorithms developed to predict the effect of sequence changes on RNA splicing suggest that this variant may create or strengthen a splice site, but this prediction has not been confirmed by published transcriptional studies. In summary, the available evidence is currently insufficient to determine the role of this variant in disease. Therefore, it has been classified as a Variant of Uncertain Significance.